The following is an entry in ClinVar:

NM_017950.4(CCDC40):c.1531G>A (p.Glu511Lys)

Gene: CCDC40 (coiled-coil domain 40 molecular ruler complex subunit; plus strand). Cytogenetic location: 17q25.3.
Variant type: single nucleotide variant.
Coding change: c.1531G>A on transcript NM_017950.4 (MANE Select); coding-DNA position 1531, G replaced by A.
Protein change: p.Glu511Lys; replaces glutamic acid 511 with lysine.
Molecular consequence: missense variant.
Genome position (GRCh38, 1-based): chr17:80,065,575, G>A. VCF-style: chr17-80065575-G-A. GRCh37 (hg19) VCF-style: chr17-78039374-G-A.
Other names: c.1531G>A, p.Glu511Lys (NM_001243342.2, NM_001330508.2); short protein forms E511K.
Identifiers: ClinVar variation 178709 (VCV000178709.23), dbSNP rs59978698, ClinGen allele CA182830.

ClinVar aggregate classification (germline): Benign/Likely benign. Review status: criteria provided, multiple submitters, no conflicts (2 of 4 stars). 6 submissions from 6 submitters: Benign (5); Likely benign (1). Last evaluated 2026-02-01.

Conditions:
Primary ciliary dyskinesia. Also called: Ciliary dyskinesia. Identifiers: Orphanet 244, MedGen C0008780, MONDO:0016575, HP:0012265.
Primary ciliary dyskinesia 15. Also called: CILIARY DYSKINESIA, PRIMARY, 15, WITH OR WITHOUT SITUS INVERSUS. Identifiers: Orphanet 244, MedGen C3151137, MONDO:0013435, OMIM 613808.

Allele frequency attached by ClinVar (database versions not stated): 1000 Genomes Project 0.00599; 1000 Genomes Project 30x 0.00687; TOPMed 0.00743; ESP Exome Variant Server 0.00803.
gnomAD v4.1: 1,907 of 1,612,864 alleles (0.12%); highest among the groups gnomAD compares: African/African-American, 2.3%; 24 homozygotes.

Submissions (6):

Labcorp Genetics (formerly Invitae), Labcorp
Classification: Benign for Primary ciliary dyskinesia. Last evaluated: 2026-02-01. Review status: criteria provided, single submitter. Criteria: Invitae Variant Classification Sherloc (09022015). Collection method: clinical testing. Allele origin: germline.

Mayo Clinic Laboratories, Mayo Clinic
Classification: Benign. Last evaluated: 2025-09-30. Review status: criteria provided, single submitter. Criteria: ACMG Guidelines, 2015. Collection method: clinical testing. Allele origin: germline. Observed: 1 variant allele.
Comment: BS1, BS2

Illumina Laboratory Services, Illumina
Classification: Likely benign for Primary ciliary dyskinesia 15. Last evaluated: 2018-01-12. Review status: criteria provided, single submitter. Criteria: ICSL Variant Classification Criteria 13 December 2019. Collection method: clinical testing. Allele origin: germline.
Comment: This variant was observed in the ICSL laboratory as part of a predisposition screen in an ostensibly healthy population. It had not been previously curated by ICSL or reported in the Human Gene Mutation Database (HGMD: prior to June 1st, 2018), and was therefore a candidate for classification through an automated scoring system. Utilizing variant allele frequency, disease prevalence and penetrance estimates, and inheritance mode, an automated score was calculated to assess if this variant is too frequent to cause the disease. Based on the score and internal cut-off values, a variant classified as likely benign is not then subjected to further curation. The score for this variant resulted in a classification of likely benign for this disease.

Ambry Genetics
Classification: Benign for Primary ciliary dyskinesia. Last evaluated: 2016-09-15. Review status: criteria provided, single submitter. Criteria: Ambry Variant Classification Scheme 2023. Collection method: clinical testing. Allele origin: germline.

Laboratory for Molecular Medicine, Mass General Brigham Personalized Medicine
Classification: Benign. Last evaluated: 2013-02-21. Review status: criteria provided, single submitter. Criteria: LMM Criteria. Collection method: clinical testing. Allele origin: germline. Observed: 1 variant allele.
Comment: Glu511Lys in exon 10 of CCDC40: This variant is not expected to have clinical si gnificance because it has been identified in 2.4% (102/4244) of African American chromosomes from a broad population by the NHLBI Exome Sequencing Project (dbSNP rs59978698).

PreventionGenetics, part of Exact Sciences
Classification: Benign. Review status: criteria provided, single submitter. Criteria: ACMG Guidelines, 2015. Collection method: clinical testing. Allele origin: germline.